The following is an entry in ClinVar:

ClinVar aggregate classification (germline): Likely benign (0 of 4 stars; one submission).

Conditions:
LARS2-related disorder. Also called: LARS2-related condition.

Submission:

PreventionGenetics, part of Exact Sciences
Classification: Likely benign for LARS2-related condition. Last evaluated: 2019-08-28. Review status: no assertion criteria provided. Collection method: clinical testing. Allele origin: germline.
Comment: This variant is classified as likely benign based on ACMG/AMP sequence variant interpretation guidelines (Richards et al. 2015 PMID: 25741868, with internal and published modifications).

NM_015340.4(LARS2):c.1523+9_1523+10insAGTT

Genes: LARS2 (leucyl-tRNA synthetase 2, mitochondrial; plus strand), LARS2-AS1 (LARS2 antisense RNA 1; minus strand). Cytogenetic location: 3p21.31.
Variant type: Insertion.
Coding change: c.1523+9_1523+10insAGTT on transcript NM_015340.4 (MANE Select); bases 9 to 10 of the intron after coding-DNA position 1523, AGTT inserted.
Molecular consequence: intron variant.
Genome position: GRCh38 VCF-style: chr3-45491809-C-CAGTT. GRCh37 (hg19) VCF-style: chr3-45533301-C-CAGTT.
Other names: c.1523+9_1523+10insAGTT (NM_001368263.1).
Identifiers: ClinVar variation 3049945 (VCV003049945.2), dbSNP rs2529021543, ClinGen allele CA2740090903.